The following is an entry in ClinVar:

NM_014141.6(CNTNAP2):c.1347A>C (p.Ser449=)

Gene: CNTNAP2 (contactin associated protein 2; plus strand). Cytogenetic location: 7q35.
Variant type: single nucleotide variant.
Coding change: c.1347A>C on transcript NM_014141.6 (MANE Select); coding-DNA position 1347, A replaced by C.
Protein change: p.Ser449=; no amino-acid change (serine 449 retained).
Molecular consequence: synonymous variant.
Genome position (GRCh38, 1-based): chr7:147,132,508, A>C. VCF-style: chr7-147132508-A-C. GRCh37 (hg19) VCF-style: chr7-146829600-A-C.
Identifiers: ClinVar variation 536317 (VCV000536317.7), dbSNP rs1554441906, ClinGen allele CA458578073.
Genomic context (GRCh38, chr7:147,132,508, plus strand): 5'-CAAAGTGGGTGTTCACATCAACATCACACAGACCAAGATGAGCCAAATCGATATTTCCTC[A>C]GGTCAGTGAAACCTATTTGACATTTGTTCCTGAAACTTATTGCAATTTCCAGAGTTAATG-3'
Protein context (NP_054860.1, residues 439-459): QTKMSQIDIS[Ser449=]GSGLNDGQWH

ClinVar aggregate classification (germline): Uncertain significance (1 of 4 stars; one submission).

Conditions:
Cortical dysplasia-focal epilepsy syndrome (PTHSL1). Also called: Pitt-Hopkins-like syndrome 1. Identifiers: Orphanet 163681, Orphanet 221150, MedGen C2750246, MONDO:0012400, OMIM 610042.

Submission:

Labcorp Genetics (formerly Invitae), Labcorp
Classification: Uncertain significance for Cortical dysplasia-focal epilepsy syndrome. Last evaluated: 2020-03-05. Review status: criteria provided, single submitter. Criteria: Invitae Variant Classification Sherloc (09022015). Collection method: clinical testing. Allele origin: germline.
Comment: This sequence change affects codon 449 of the CNTNAP2 mRNA. It is a 'silent' change, meaning that it does not change the encoded amino acid sequence of the CNTNAP2 protein. This variant is not present in population databases (ExAC no frequency). This variant has not been reported in the literature in individuals with CNTNAP2-related disease. Algorithms developed to predict the effect of sequence changes on RNA splicing suggest that this variant may disrupt the consensus splice site, but this prediction has not been confirmed by published transcriptional studies. In summary, the available evidence is currently insufficient to determine the role of this variant in disease. Therefore, it has been classified as a Variant of Uncertain Significance.